The following is an entry in ClinVar:

NM_021005.4(NR2F2):c.958C>G (p.Leu320Val)

Gene: NR2F2 (nuclear receptor subfamily 2 group F member 2; plus strand). Cytogenetic location: 15q26.2.
Variant type: single nucleotide variant.
Coding change: c.958C>G on transcript NM_021005.4 (MANE Select); coding-DNA position 958, C replaced by G.
Protein change: p.Leu320Val; replaces leucine 320 with valine.
Molecular consequence: missense variant.
Genome position (GRCh38, 1-based): chr15:96,334,591, C>G. VCF-style: chr15-96334591-C-G. GRCh37 (hg19) VCF-style: chr15-96877820-C-G.
Other names: c.559C>G, p.Leu187Val (NM_001145155.2); c.499C>G, p.Leu167Val (NM_001145156.1, NM_001145157.2); short protein forms L167V, L187V, L320V.
Identifiers: ClinVar variation 4281874 (VCV004281874.1).

ClinVar aggregate classification (germline): Uncertain significance (1 of 4 stars; one submission).

Submission:

GeneDx
Classification: Uncertain significance. Last evaluated: 2025-04-07. Review status: criteria provided, single submitter. Criteria: GeneDx Variant Classification Process June 2021. Collection method: clinical testing. Allele origin: germline. Affected: yes.
Comment: Not observed at significant frequency in large population cohorts (gnomAD); In silico analysis supports that this missense variant has a deleterious effect on protein structure/function; Has not been previously published as pathogenic or benign to our knowledge